The following is an entry in ClinVar:

ClinVar aggregate classification (germline): Likely benign. Review status: criteria provided, multiple submitters, no conflicts (2 of 4 stars). 2 submissions from 2 submitters: Likely benign (2). Last evaluated 2026-09-01.

Conditions:
Ataxia-telangiectasia syndrome (AT). Also called: ATAXIA-TELANGIECTASIA, COMPLEMENTATION GROUP A; ATAXIA-TELANGIECTASIA, FRESNO VARIANT; Ataxia-telangiectasia; Ataxia-telangiectasia, complementation group D; AT, COMPLEMENTATION GROUP C; Ataxia-telangiectasia, complementation group E. Identifiers: Orphanet 100, MedGen C0004135, MONDO:0008840, OMIM 208900.

Allele frequency attached by ClinVar (database versions not stated): gnomAD exomes 0.00596; gnomAD 0.00604 and 0.00606; 1000 Genomes Project 0.00619; TOPMed 0.00632; 1000 Genomes Project 30x 0.00640.
gnomAD v4.1: 1,256 of 207,840 alleles (0.6%); highest among the groups gnomAD compares: African/African-American, 0.77%; 7 homozygotes.

Submissions (2):

CeGaT Center for Human Genetics Tuebingen
Classification: Likely benign. Last evaluated: 2026-09-01. Review status: criteria provided, single submitter. Criteria: CeGaT Center For Human Genetics Tuebingen Variant Classification Criteria Version 2. Collection method: clinical testing. Allele origin: germline. Affected: yes. Observed: 17 variant alleles.
Comment: ATM: BS2

Illumina Laboratory Services, Illumina
Classification: Likely benign for Ataxia-telangiectasia syndrome. Last evaluated: 2017-04-27. Review status: criteria provided, single submitter. Criteria: ICSL Variant Classification Criteria 13 December 2019. Collection method: clinical testing. Allele origin: germline.
Comment: This variant was observed as part of a predisposition screen in an ostensibly healthy population. A literature search was performed for the gene, cDNA change, and amino acid change (where applicable). No publications were found based on this search. Allele frequency data from public databases allowed determination this variant is unlikely to cause disease. Therefore, this variant is classified as likely benign.

NM_000051.4(ATM):c.*779T>G

Genes: C11orf65 (chromosome 11 open reading frame 65; minus strand), ATM (ATM serine/threonine kinase; plus strand). Cytogenetic location: 11q22.3.
Variant type: single nucleotide variant.
Coding change: c.*779T>G on transcript NM_000051.4 (MANE Select); 779 bases downstream of the stop codon, T replaced by G.
Molecular consequence: 3 prime UTR variant. On other transcripts: intron variant (2).
Genome position (GRCh38, 1-based): chr11:108,366,287, T>G. VCF-style: chr11-108366287-T-G. GRCh37 (hg19) VCF-style: chr11-108237014-T-G.
Other names: c.*779T>G (NM_001351834.2); c.640+19633A>C (NM_001330368.2); c.694+19633A>C (NM_001351110.2).
Identifiers: ClinVar variation 879513 (VCV000879513.14), dbSNP rs78327467, ClinGen allele CA228384829.